The following is an entry in ClinVar:

NM_000038.6(APC):c.6113T>G (p.Leu2038Arg)

Gene: APC (APC regulator of Wnt signaling pathway; plus strand). Cytogenetic location: 5q22.2.
Variant type: single nucleotide variant.
Coding change: c.6113T>G on transcript NM_000038.6 (MANE Select); coding-DNA position 6113, T replaced by G.
Protein change: p.Leu2038Arg; replaces leucine 2038 with arginine.
Molecular consequence: missense variant.
Genome position (GRCh38, 1-based): chr5:112,841,707, T>G. VCF-style: chr5-112841707-T-G. GRCh37 (hg19) VCF-style: chr5-112177404-T-G.
Other names: c.6113T>G, p.Leu2038Arg (NM_001127510.3, NM_001354895.2, NM_001407450.1); c.6059T>G, p.Leu2020Arg (NM_001127511.3); c.6167T>G, p.Leu2056Arg (NM_001354896.2, NM_001407447.1, NM_001407448.1 and 1 more transcripts); c.6143T>G, p.Leu2048Arg (NM_001354897.2); c.6038T>G, p.Leu2013Arg (NM_001354898.2); c.6029T>G, p.Leu2010Arg (NM_001354899.2); c.5990T>G, p.Leu1997Arg (NM_001354900.2); c.5936T>G, p.Leu1979Arg (NM_001354901.2, NM_001407453.1); and 11 more; short protein forms L1654R, L1755R, L1878R, L1909R, L1912R, L1937R, L1947R, L1955R.
Identifiers: ClinVar variation 1715669 (VCV001715669.6), dbSNP rs1766137367, ClinGen allele CA16034715.

ClinVar aggregate classification (germline): Uncertain significance (1 of 4 stars; one submission).

Conditions:
Familial adenomatous polyposis 1 (FAP1). Also called: POLYPOSIS, ADENOMATOUS INTESTINAL; FAMILIAL ADENOMATOUS POLYPOSIS 1, ATTENUATED. Identifiers: MedGen C2713442, MONDO:0021056, OMIM 175100. Disease mechanism: loss of function.

Submission:

Labcorp Genetics (formerly Invitae), Labcorp
Classification: Uncertain significance for Familial adenomatous polyposis 1. Last evaluated: 2022-08-08. Review status: criteria provided, single submitter. Criteria: Invitae Variant Classification Sherloc (09022015). Collection method: clinical testing. Allele origin: germline.
Comment: Algorithms developed to predict the effect of missense changes on protein structure and function are either unavailable or do not agree on the potential impact of this missense change (SIFT: "Deleterious"; PolyPhen-2: "Probably Damaging"; Align-GVGD: "Class C0"). In summary, the available evidence is currently insufficient to determine the role of this variant in disease. Therefore, it has been classified as a Variant of Uncertain Significance. This variant has not been reported in the literature in individuals affected with APC-related conditions. This variant is not present in population databases (gnomAD no frequency). This sequence change replaces leucine, which is neutral and non-polar, with arginine, which is basic and polar, at codon 2038 of the APC protein (p.Leu2038Arg).